The following is an entry in ClinVar:

ClinVar aggregate classification (germline): Pathogenic (1 of 4 stars; one submission).

Submission:

Illumina Laboratory Services, Illumina
Classification: Pathogenic. Last evaluated: 2021-01-11. Review status: criteria provided, single submitter. Criteria: ICSL CNVClassificationCriteria Aug2020. Collection method: clinical testing. Allele origin: unknown.
Comment: This CNV is a 354 kb deletion of 17p13.3, on chromosome 17, (seq[GRCh37]del(17)(p13.3); chr17:g.1145231_1499243del), which is found in a de novo state. This CNV constitutes a loss encompassing the following protein coding genes: ABR, BHLHA9, CRK, INPP5K, MYO1C, TRARG1, and YWHAE (for which multiple haploinsufficiency predictors predict dosage sensitivity). The 17p13.3 chromosomal region is highly susceptible to rearrangements due to the presence of multiple low copy repeats. Larger deletions of 17p13.3, which fully encompass this CNV, and include both the PAFAH1B1 (aka LIS1) and YWHAE genes, are associated with the well described 17p13.3 deletion syndrome. 17p13.3 deletion syndrome includes Miller-Dieker syndrome (MDS), with the PAFAH1B1 gene associated with the lissencephaly phenotype. Bruno et al. (2009) identified a critical region of 258 kb including both the CRK and YWHAE genes as being responsible for distinctive facial dysmorphisms associated with deletions in this region. The 354 kb loss does not remove the PAFAH1B1 gene but does result in loss of both the CRK and YWHAE genes. Losses with similar gene deletions, including the YWHAE and/or the CRK genes, have been reported in at least six individuals (Nagamani et al. 2009; Bruno et al. 2010; Schiff et al. 2010; Noor et al. 2018; Romano et al. 2020). Phenotypic presentation is variable, but common phenotypes described in the six individuals include developmental delays and learning disability, variable brain malformations (not including lissencephaly), and dysmorphic facial features. Other reported phenotypes include epilepsy, infantile spasms, feeding difficulties, growth restriction, hypotonia, anteriorly placed anus, vesico-ureteral reflux, hydronephrosis, and arthrogryposis of upper limbs. Heterozygous deletions at 17p13.3 typically occur de novo, although inherited cases are described, and follow and autosomal dominant mode of inheritance. Three of the individuals carried confirmed de novo losses, one individual carried an assumed de novo loss, while the fifth individual lacked parental samples so inheritance of the variant is unknown (Nagamani et al. 2009; Bruno et al. 2010; Schiff et al. 2010; Noor et al. 2018). The sixth affected individual was found to have inherited a similar loss from an unaffected parent who was described as being mosaic for the variant (Romano et al. 2020). Similar CNVs have not been reported in controls, however, a deletion of the YWHAE gene has been reported in a single sample (Cooper et al. 2011; MacDonald et al. 2014). Based on the evidence, this CNV is classified as pathogenic.

Literature cited by the submitters: PubMed 19584063; PubMed 20452996; PubMed 20599530; PubMed 21841781; PubMed 24174537; PubMed 28542865.

GRCh37/hg19 17p13.3(chr17:1145231-1499243)x1

Genes: BHLHA9 (basic helix-loop-helix family member a9; plus strand), CRK (CRK proto-oncogene, adaptor protein; minus strand), INPP5K (inositol polyphosphate-5-phosphatase K; minus strand), MYO1C (myosin IC; minus strand), PITPNA (phosphatidylinositol transfer protein alpha; minus strand) and 3 more. Cytogenetic location: 17p13.3.
Variant type: copy number loss.
Change: copy number 1 (one copy instead of two) of chr17:1,145,231-1,499,243 (354.0 kb, GRCh37 coordinates, 1-based), cytogenetic band 17p13.3.
Identifiers: ClinVar variation 1328439 (VCV001328439.4).